The following is an entry in ClinVar:

ClinVar aggregate classification (germline): Likely benign. Review status: criteria provided, multiple submitters, no conflicts (2 of 4 stars). 2 submissions from 2 submitters: Likely benign (2). Last evaluated 2025-12-30.

Conditions:
FBXO38-related disorder. Also called: FBXO38-related condition.
Distal hereditary motor neuropathy type 2. Identifiers: Orphanet 139525, MedGen C3711384, MeSH C580044, MONDO:0015352.

Allele frequency attached by ClinVar (database versions not stated): gnomAD 0.00001; gnomAD exomes 0.00001; TOPMed 0.00001; ExAC 0.00003.
gnomAD v4.1: 13 of 1,605,576 alleles (0.00081%); highest among the groups gnomAD compares: East Asian, 0.0045%; no homozygotes.

Submissions (2):

PreventionGenetics, part of Exact Sciences
Classification: Likely benign for FBXO38-related condition. Last evaluated: 2025-12-30. Review status: criteria provided, single submitter. Criteria: ACMG Guidelines, 2015. Collection method: clinical testing. Allele origin: germline.
Comment: This variant is classified as likely benign based on ACMG/AMP sequence variant interpretation guidelines (Richards et al. 2015 PMID: 25741868, with internal and published modifications).

Labcorp Genetics (formerly Invitae), Labcorp
Classification: Likely benign for Distal hereditary motor neuropathy type 2. Last evaluated: 2024-11-05. Review status: criteria provided, single submitter. Criteria: Invitae Variant Classification Sherloc (09022015). Collection method: clinical testing. Allele origin: germline.

NM_205836.3(FBXO38):c.1619-8C>T

Gene: FBXO38 (F-box protein 38; plus strand). Cytogenetic location: 5q32.
Variant type: single nucleotide variant.
Coding change: c.1619-8C>T on transcript NM_205836.3 (MANE Select); 8 bases into the intron before coding-DNA position 1619, C replaced by T.
Molecular consequence: intron variant.
Genome position (GRCh38, 1-based): chr5:148,423,990, C>T. VCF-style: chr5-148423990-C-T. GRCh37 (hg19) VCF-style: chr5-147803553-C-T.
Other names: c.1619-8C>T (NM_030793.4, NM_030793.5, NM_001271723.2).
Identifiers: ClinVar variation 2905807 (VCV002905807.4), dbSNP rs774304267, ClinGen allele CA3497323.